The following is an entry in ClinVar:

NM_057175.5(NAA15):c.1174A>G (p.Ile392Val)

Gene: NAA15 (N-alpha-acetyltransferase 15, NatA auxiliary subunit; plus strand). Cytogenetic location: 4q31.1.
Variant type: single nucleotide variant.
Coding change: c.1174A>G on transcript NM_057175.5 (MANE Select); coding-DNA position 1174, A replaced by G.
Protein change: p.Ile392Val; replaces isoleucine 392 with valine.
Molecular consequence: missense variant.
Genome position (GRCh38, 1-based): chr4:139,357,472, A>G. VCF-style: chr4-139357472-A-G. GRCh37 (hg19) VCF-style: chr4-140278626-A-G.
Other names: c.1174A>G, p.Ile392Val (NM_001410842.1, NM_025085.2); short protein forms I392V.
Identifiers: ClinVar variation 3020619 (VCV003020619.3), dbSNP rs189452543, ClinGen allele CA3083580.
Genomic context (GRCh38, chr4:139,357,472, plus strand): 5'-ACATTACTTTGGGTCCAGTACTACTTGGCACAACATTATGACAAAATTGGTCAGCCATCT[A>G]TTGCTTTGGAGTACATAAATACTGCTATTGAAAGTACACCTACATTAATAGAACTCTTTC-3'
Protein context (NP_476516.1, residues 382-402): QHYDKIGQPS[Ile392Val]ALEYINTAIE

ClinVar aggregate classification (germline): Uncertain significance (1 of 4 stars; one submission).

Allele frequency attached by ClinVar (database versions not stated): TOPMed 0.00004; ExAC 0.00012; 1000 Genomes Project 30x 0.00016; gnomAD 0.00012; 1000 Genomes Project 0.00020.
gnomAD v4.1: 117 of 1,613,552 alleles (0.0073%); highest among the groups gnomAD compares: Middle Eastern, 0.05%; 1 homozygote.

Submission:

Labcorp Genetics (formerly Invitae), Labcorp
Classification: Uncertain significance. Last evaluated: 2025-10-08. Review status: criteria provided, single submitter. Criteria: Invitae Variant Classification Sherloc (09022015). Collection method: clinical testing. Allele origin: germline.
Comment: This sequence change replaces isoleucine, which is neutral and non-polar, with valine, which is neutral and non-polar, at codon 392 of the NAA15 protein (p.Ile392Val). This variant is present in population databases (rs189452543, gnomAD 0.06%), and has an allele count higher than expected for a pathogenic variant. This variant has not been reported in the literature in individuals affected with NAA15-related conditions. ClinVar contains an entry for this variant (Variation ID: 3020619). An algorithm developed to predict the effect of missense changes on protein structure and function outputs the following: PolyPhen-2: "Benign". The valine amino acid residue is found in multiple mammalian species, which suggests that this missense change does not adversely affect protein function. In summary, the available evidence is currently insufficient to determine the role of this variant in disease. Therefore, it has been classified as a Variant of Uncertain Significance.